The following is an entry in ClinVar:

NM_000090.4(COL3A1):c.3065C>T (p.Pro1022Leu)

Gene: COL3A1 (collagen type III alpha 1 chain; plus strand). Cytogenetic location: 2q32.2.
Variant type: single nucleotide variant.
Coding change: c.3065C>T on transcript NM_000090.4 (MANE Select); coding-DNA position 3065, C replaced by T.
Protein change: p.Pro1022Leu; replaces proline 1022 with leucine.
Molecular consequence: missense variant.
Genome position (GRCh38, 1-based): chr2:189,006,231, C>T. VCF-style: chr2-189006231-C-T. GRCh37 (hg19) VCF-style: chr2-189870957-C-T.
Other names: short protein forms P1022L.
Identifiers: ClinVar variation 2737973 (VCV002737973.3), dbSNP rs2469157770, ClinGen allele CA349844938.

ClinVar aggregate classification (germline): Uncertain significance (1 of 4 stars; one submission).

Conditions:
Ehlers-Danlos syndrome, type 4 (EDSVASC). Also called: Ehlers-Danlos Syndrome Type IV; Ehlers-Danlos syndrome vascular type; Ehlers Danlos syndrome, ecchymotic type; Ehlers Danlos syndrome, arterial type; Ehlers Danlos syndrome, Sack-Barabas type. Identifiers: Orphanet 286, MedGen C0268338, MONDO:0017314, OMIM 130050.

Submission:

Labcorp Genetics (formerly Invitae), Labcorp
Classification: Uncertain significance for Ehlers-Danlos syndrome, type 4. Last evaluated: 2022-11-24. Review status: criteria provided, single submitter. Criteria: Invitae Variant Classification Sherloc (09022015). Collection method: clinical testing. Allele origin: germline.
Comment: This sequence change replaces proline, which is neutral and non-polar, with leucine, which is neutral and non-polar, at codon 1022 of the COL3A1 protein (p.Pro1022Leu). This variant is not present in population databases (gnomAD no frequency). This variant has not been reported in the literature in individuals affected with COL3A1-related conditions. Advanced modeling of protein sequence and biophysical properties (such as structural, functional, and spatial information, amino acid conservation, physicochemical variation, residue mobility, and thermodynamic stability) has been performed at Invitae for this missense variant, however the output from this modeling did not meet the statistical confidence thresholds required to predict the impact of this variant on COL3A1 protein function. In summary, the available evidence is currently insufficient to determine the role of this variant in disease. Therefore, it has been classified as a Variant of Uncertain Significance.